The following is an entry in ClinVar:

ClinVar aggregate classification (germline): Conflicting classifications of pathogenicity. Review status: criteria provided, conflicting classifications (1 of 4 stars). 6 submissions from 6 submitters: Uncertain significance (5); Benign (1). Last evaluated 2025-09-16.

Conditions:
Hereditary cancer-predisposing syndrome. Also called: Neoplastic Syndromes, Hereditary; Tumor predisposition; Hereditary Cancer Syndrome; Hereditary neoplastic syndrome. Identifiers: Orphanet 140162, MedGen C0027672, MeSH D009386, MONDO:0015356.
Familial adenomatous polyposis 2. Also called: Adenomas, multiple colorectal; COLORECTAL ADENOMATOUS POLYPOSIS, AUTOSOMAL RECESSIVE; ADENOMAS, MULTIPLE COLORECTAL, AUTOSOMAL RECESSIVE; MYH-associated polyposis; MUTYH Polyposis; FAP type 2. Identifiers: Orphanet 220460, Orphanet 247798, MedGen C3272841, MONDO:0012041, OMIM 608456.

Allele frequency attached by ClinVar (database versions not stated): gnomAD exomes below 0.00001; TOPMed 0.00005.

Submissions (6):

Labcorp Genetics (formerly Invitae), Labcorp
Classification: Uncertain significance for Familial adenomatous polyposis 2. Last evaluated: 2025-09-16. Review status: criteria provided, single submitter. Criteria: Invitae Variant Classification Sherloc (09022015). Collection method: clinical testing. Allele origin: germline.
Comment: This sequence change replaces serine, which is neutral and polar, with isoleucine, which is neutral and non-polar, at codon 32 of the MUTYH protein (p.Ser32Ile). This variant is present in population databases (rs786202903, gnomAD 0.003%). This variant has not been reported in the literature in individuals affected with MUTYH-related conditions. ClinVar contains an entry for this variant (Variation ID: 186378). An algorithm developed to predict the effect of missense changes on protein structure and function (PolyPhen-2) suggests that this variant is likely to be tolerated. In summary, the available evidence is currently insufficient to determine the role of this variant in disease. Therefore, it has been classified as a Variant of Uncertain Significance.

Ambry Genetics
Classification: Benign for Hereditary cancer-predisposing syndrome. Last evaluated: 2025-09-09. Review status: criteria provided, single submitter. Criteria: Ambry Variant Classification Scheme 2023. Collection method: clinical testing. Allele origin: germline.

All of Us Research Program, National Institutes of Health
Classification: Uncertain significance for Familial adenomatous polyposis 2. Last evaluated: 2024-07-29. Review status: criteria provided, single submitter. Criteria: ACMG Guidelines, 2015. Collection method: clinical testing. Allele origin: germline. Inheritance: Autosomal recessive inheritance. Observed: 1 variant allele, 1 heterozygote.
Comment: This missense variant substitutes serine with isoleucine at codon 32 in the MUTYH protein. Computational prediction suggests that this variant may not impact protein structure and function (internally defined REVEL score threshold <= 0.5, PMID: 27666373). To our knowledge, functional studies have not been reported for this variant. This variant has not been reported in individuals affected with MUTYH-related disorders in the literature. This variant has been identified in 1/251486 chromosomes in the general population by the Genome Aggregation Database (gnomAD). The available evidence is insufficient to determine the role of this variant in disease conclusively. Therefore, this variant is classified as a Variant of Uncertain Significance.

This study involves interpretation of variants in research participants for the purpose of population health screening. Participant phenotype was not available at the time of variant classification. Additional details can be found in publication PMID: 35346344, PMCID: PMC8962531

Color Diagnostics, LLC DBA Color Health
Classification: Uncertain significance for Hereditary cancer-predisposing syndrome. Last evaluated: 2023-10-02. Review status: criteria provided, single submitter. Criteria: ACMG Guidelines, 2015. Collection method: clinical testing. Allele origin: germline.
Comment: This missense variant substitutes serine with isoleucine at codon 32 in the MUTYH protein. Computational prediction suggests that this variant may not impact protein structure and function (internally defined REVEL score threshold <= 0.5, PMID: 27666373). To our knowledge, functional studies have not been reported for this variant. This variant has not been reported in individuals affected with MUTYH-related disorders in the literature. This variant has been identified in 1/251486 chromosomes in the general population by the Genome Aggregation Database (gnomAD). The available evidence is insufficient to determine the role of this variant in disease conclusively. Therefore, this variant is classified as a Variant of Uncertain Significance.

Baylor Genetics
Classification: Uncertain significance for Familial adenomatous polyposis 2. Last evaluated: 2023-07-17. Review status: criteria provided, single submitter. Criteria: ACMG Guidelines, 2015. Collection method: clinical testing. Allele origin: unknown.

GeneDx
Classification: Uncertain significance. Last evaluated: 2023-03-14. Review status: criteria provided, single submitter. Criteria: GeneDx Variant Classification Process June 2021. Collection method: clinical testing. Allele origin: germline. Affected: yes.
Comment: Not observed at significant frequency in large population cohorts (gnomAD); In silico analysis supports that this missense variant has a deleterious effect on protein structure/function; Has not been previously published as pathogenic or benign to our knowledge

NM_001048174.2(MUTYH):c.53G>T (p.Ser18Ile)

Gene: MUTYH (mutY DNA glycosylase; minus strand). Cytogenetic location: 1p34.1.
Variant type: single nucleotide variant.
Coding change: c.53G>T on transcript NM_001048174.2 (MANE Select); coding-DNA position 53, G replaced by T.
Protein change: p.Ser18Ile; replaces serine 18 with isoleucine.
Molecular consequence: missense variant. On other transcripts: 5 prime UTR variant (4), non-coding transcript variant (2).
Genome position (GRCh38, 1-based): chr1:45,334,453, C>A on the plus strand (G>T on the coding strand, the complement: MUTYH is on the minus strand). VCF-style: chr1-45334453-C-A. GRCh37 (hg19) VCF-style: chr1-45800125-C-A.
Other names: c.53G>T, p.Ser18Ile (NM_001048171.2, NM_001048172.2, NM_001048173.2 and 2 more transcripts); c.95G>T, p.Ser32Ile (NM_001128425.2, NM_001293190.2, NM_012222.3); c.-160G>T (NM_001293192.2, NM_001293196.2); c.-219G>T (NM_001350650.2); c.-155G>T (NM_001350651.2); short protein forms S32I, S18I.
Identifiers: ClinVar variation 186378 (VCV000186378.22), dbSNP rs786202903, ClinGen allele CA014723.